The following is an entry in ClinVar:

NM_021813.4(BACH2):c.2331C>T (p.Pro777=)

Gene: BACH2 (BACH transcriptional regulator 2; minus strand). Cytogenetic location: 6q15.
Variant type: single nucleotide variant.
Coding change: c.2331C>T on transcript NM_021813.4 (MANE Select); coding-DNA position 2331, C replaced by T.
Protein change: p.Pro777=; no amino-acid change (proline 777 retained).
Molecular consequence: synonymous variant.
Genome position (GRCh38, 1-based): chr6:89,932,603, G>A on the plus strand (C>T on the coding strand, the complement: BACH2 is on the minus strand). VCF-style: chr6-89932603-G-A. GRCh37 (hg19) VCF-style: chr6-90642322-G-A.
Other names: c.2331C>T (NM_021813.3); c.2331C>T, p.Pro777= (NM_001170794.2).
Identifiers: ClinVar variation 1635080 (VCV001635080.23), dbSNP rs139627462, ClinGen allele CA3927806.

ClinVar aggregate classification (germline): Likely benign. Review status: criteria provided, multiple submitters, no conflicts (2 of 4 stars). 3 submissions from 3 submitters: Likely benign (2). 1 of the submissions does not count toward it. Last evaluated 2025-12-08.

Conditions:
BACH2-related disorder. Also called: BACH2-related condition.

Allele frequency attached by ClinVar (database versions not stated): ESP Exome Variant Server 0.00015.
gnomAD v4.1: 75 of 1,613,732 alleles (0.0046%); highest among the groups gnomAD compares: South Asian, 0.0055%; 1 homozygote.

Submissions (3):

Labcorp Genetics (formerly Invitae), Labcorp
Classification: Likely benign. Last evaluated: 2025-12-08. Review status: criteria provided, single submitter. Criteria: Invitae Variant Classification Sherloc (09022015). Collection method: clinical testing. Allele origin: germline.

CeGaT Center for Human Genetics Tuebingen
Classification: Likely benign. Last evaluated: 2025-01-01. Review status: criteria provided, single submitter. Criteria: CeGaT Center For Human Genetics Tuebingen Variant Classification Criteria Version 2. Collection method: clinical testing. Allele origin: germline. Affected: yes. Observed: 1 variant allele.
Comment: BACH2: BP4, BP7

PreventionGenetics, part of Exact Sciences
Classification: Likely benign for BACH2-related condition. Last evaluated: 2019-08-09. Review status: no assertion criteria provided. Collection method: clinical testing. Allele origin: germline. Not counted in ClinVar's aggregate classification.
Comment: This variant is classified as likely benign based on ACMG/AMP sequence variant interpretation guidelines (Richards et al. 2015 PMID: 25741868, with internal and published modifications).